The following is an entry in ClinVar:

NM_004656.4(BAP1):c.1442_1443del (p.His481fs)

Gene: BAP1 (BRCA1 associated deubiquitinase 1; minus strand). Cytogenetic location: 3p21.1.
Variant type: Microsatellite.
Coding change: c.1442_1443del on transcript NM_004656.4 (MANE Select); coding-DNA positions 1442 to 1443, 2 bases deleted (AC; older notation c.1442_1443delAC).
Protein change: p.His481fs; shifts the reading frame from histidine 481.
Molecular consequence: frameshift variant.
Genome position (GRCh38, 1-based): chr3:52,403,702-52,403,703, GT deleted on the plus strand (AC on the coding strand, the reverse complement: BAP1 is on the minus strand); deleting any 2 consecutive bases within chr3:52,403,702-52,403,708 gives the same sequence; the c. name uses the placement nearest the transcript's 3' end. VCF-style (leftmost placement, unchanged base first): chr3-52403701-AGT-A. GRCh37 (hg19) VCF-style: chr3-52437717-AGT-A.
Other names: c.1442_1443delAC (NM_004656.2); c.1388_1389del, p.His463fs (NM_001410772.1); c.1437_1438CA[2], p.His481Leufs (NM_004656.2); short protein forms H463fs, H481fs.
Identifiers: ClinVar variation 3224431 (VCV003224431.2), dbSNP rs2471329027, ClinGen allele CA2825001269.

ClinVar aggregate classification (germline): Pathogenic. Review status: criteria provided, multiple submitters, no conflicts (2 of 4 stars). 2 submissions from 2 submitters: Pathogenic (2). Last evaluated 2026-05-19.

Conditions:
Hereditary cancer-predisposing syndrome. Also called: Neoplastic Syndromes, Hereditary; Tumor predisposition; Hereditary Cancer Syndrome; Hereditary neoplastic syndrome. Identifiers: Orphanet 140162, MedGen C0027672, MeSH D009386, MONDO:0015356.
BAP1-related tumor predisposition syndrome (TPDS1). Also called: Tumor susceptibility linked to germline BAP1 mutations; COMMON Syndrome; TUMOR PREDISPOSITION SYNDROME 1; BAP1 tumor predisposition syndrome. Identifiers: Orphanet 289539, MedGen C3280492, MONDO:0013692, OMIM 614327.

Submissions (2):

Myriad Genetics, Inc.
Classification: Pathogenic for BAP1-related tumor predisposition syndrome. Last evaluated: 2026-05-19. Review status: criteria provided, single submitter. Criteria: Myriad Autosomal Dominant, Autosomal Recessive and X-Linked Classification Criteria (2023). Collection method: clinical testing. Allele origin: unknown.
Comment: This variant is considered pathogenic. This variant creates a frameshift predicted to result in premature protein truncation.

Ambry Genetics
Classification: Pathogenic for Hereditary cancer-predisposing syndrome. Last evaluated: 2024-02-21. Review status: criteria provided, single submitter. Criteria: Ambry Variant Classification Scheme 2023. Collection method: clinical testing. Allele origin: germline.
Comment: The c.1442_1443delAC pathogenic mutation, located in coding exon 13 of the BAP1 gene, results from a deletion of two nucleotides at nucleotide positions 1442 to 1443, causing a translational frameshift with a predicted alternate stop codon (p.H481Lfs*10). This variant is considered to be rare based on population cohorts in the Genome Aggregation Database (gnomAD). This alteration is expected to result in loss of function by premature protein truncation or nonsense-mediated mRNA decay. As such, this alteration is interpreted as a disease-causing mutation.